The following is an entry in ClinVar:

NM_138694.4(PKHD1):c.5750A>G (p.Gln1917Arg)

Gene: PKHD1 (PKHD1 ciliary IPT domain containing fibrocystin/polyductin; minus strand). Cytogenetic location: 6p12.2.
Variant type: single nucleotide variant.
Coding change: c.5750A>G on transcript NM_138694.4 (MANE Select); coding-DNA position 5750, A replaced by G.
Protein change: p.Gln1917Arg; replaces glutamine 1917 with arginine.
Molecular consequence: missense variant.
Genome position (GRCh38, 1-based): chr6:52,010,310, T>C on the plus strand (A>G on the coding strand, the complement: PKHD1 is on the minus strand). VCF-style: chr6-52010310-T-C. GRCh37 (hg19) VCF-style: chr6-51875108-T-C.
Other names: c.5750A>G (NM_170724.2); c.5750A>G, p.Gln1917Arg (NM_170724.3); short protein forms Q1917R.
Identifiers: ClinVar variation 813380 (VCV000813380.11), dbSNP rs1412045164, ClinGen allele CA364422442.

ClinVar aggregate classification (germline): Conflicting classifications of pathogenicity. Review status: criteria provided, conflicting classifications (1 of 4 stars). 5 submissions from 5 submitters: Likely pathogenic (2); Uncertain significance (3). Last evaluated 2025-09-22.

Conditions:
Polycystic kidney disease 4 (PKD4). Also called: PKD3; POLYCYSTIC KIDNEY DISEASE 4 WITH OR WITHOUT POLYCYSTIC LIVER DISEASE; POLYCYSTIC KIDNEY AND HEPATIC DISEASE 1; POLYCYSTIC KIDNEY DISEASE, INFANTILE, TYPE I; Autosomal Recessive Polycystic Kidney Disease – PKHD1. Identifiers: MedGen C4540575, MONDO:0033004, OMIM 263200.
Autosomal recessive polycystic kidney disease (ARPKD). Also called: AR polycystic kidney disease. Identifiers: Orphanet 731, Orphanet 8378, MedGen C0085548, MeSH D017044, MONDO:0009889.

Allele frequency attached by ClinVar (database versions not stated): gnomAD 0.00003 and 0.00004; TOPMed 0.00003.
gnomAD v4.1: 9 of 1,613,280 alleles (0.00056%); highest among the groups gnomAD compares: Non-Finnish European, 0.00076%; no homozygotes.

Submissions (5):

Myriad Genetics, Inc.
Classification: Uncertain significance for Polycystic kidney disease 4. Last evaluated: 2025-09-22. Review status: criteria provided, single submitter. Criteria: Myriad Autosomal Dominant, Autosomal Recessive and X-Linked Classification Criteria (2023). Collection method: clinical testing. Allele origin: unknown.
Comment: NM_138694.3(PKHD1):c.5750A>G(Q1917R) is a missense variant classified as a variant of uncertain significance in the context of autosomal recessive polycystic kidney disease, PKHD1-related. Q1917R has been observed in cases with relevant disease (PMID: 11919560). Relevant functional assessments of this variant are not available in the literature. Q1917R has not been observed in referenced population frequency databases. In summary, there is insufficient evidence to classify NM_138694.3(PKHD1):c.5750A>G(Q1917R) as pathogenic or benign. Please note: this variant was assessed in the context of healthy population screening.

GeneDx
Classification: Likely pathogenic. Last evaluated: 2025-07-03. Review status: criteria provided, single submitter. Criteria: GeneDx Variant Classification Process June 2021. Collection method: clinical testing. Allele origin: germline. Affected: yes.
Comment: Not observed at significant frequency in large population cohorts (gnomAD); In silico analysis supports that this missense variant has a deleterious effect on protein structure/function; This variant is associated with the following publications: (PMID: 12925574, 16523049, 16133180, 11919560, 35368817)

Women's Health and Genetics/Laboratory Corporation of America, LabCorp
Classification: Uncertain significance. Last evaluated: 2024-10-14. Review status: criteria provided, single submitter. Criteria: LabCorp Variant Classification Summary - May 2015. Collection method: clinical testing. Allele origin: germline.
Comment: Variant summary: PKHD1 c.5750A>G (p.Gln1917Arg) results in a conservative amino acid change in the encoded protein sequence. Three of five in-silico tools predict a damaging effect of the variant on protein function. Several computational tools predict a significant impact on normal splicing: Three predict the variant abolishes a 5' splicing donor site. One predicts the variant weakens a 5' donor site. However, these predictions have yet to be confirmed by functional studies. The variant was absent in 251178 control chromosomes. The available data on variant occurrences in the general population are insufficient to allow any conclusion about variant significance. c.5750A>G has been reported in the literature in individuals affected with kidney disorders (e.g.Adeva_2006, Bekheirnia_2021, Ward_2002). These data do not allow any conclusion about variant significance. To our knowledge, no experimental evidence demonstrating an impact on protein function has been reported. The following publications have been ascertained in the context of this evaluation (PMID: 16523049, 35368817, 11919560). ClinVar contains an entry for this variant (Variation ID: 813380). Based on the evidence outlined above, the variant was classified as uncertain significance.

Fulgent Genetics
Classification: Uncertain significance for Polycystic kidney disease 4. Last evaluated: 2024-02-12. Review status: criteria provided, single submitter. Criteria: ACMG Guidelines, 2015. Collection method: clinical testing. Allele origin: germline.

Baylor Genetics
Classification: Likely pathogenic for Polycystic kidney disease 4. Review status: criteria provided, single submitter. Criteria: ACMG Guidelines, 2015. Collection method: clinical testing. Allele origin: germline.

Literature cited by the submitters: PubMed 11919560 (cited by Myriad Genetics, Inc. and Women's Health and Genetics/Laboratory Corporation of America, LabCorp); PubMed 16523049 (cited by Women's Health and Genetics/Laboratory Corporation of America, LabCorp); PubMed 35368817 (cited by Women's Health and Genetics/Laboratory Corporation of America, LabCorp).